The following is an entry in ClinVar:

ClinVar aggregate classification (germline): Benign/Likely benign. Review status: criteria provided, multiple submitters, no conflicts (2 of 4 stars). 3 submissions from 3 submitters: Benign (1); Likely benign (2). Last evaluated 2025-06-04.

Conditions:
Familial cancer of breast. Also called: Hereditary breast cancer; hereditary breast carcinoma; BREAST CANCER, FAMILIAL. Identifiers: Orphanet 227535, MedGen C0346153, MONDO:0016419, OMIM 114480. Disease mechanism: loss of function.
Fanconi anemia complementation group J. Also called: BRIP1-Related Fanconi Anemia. Identifiers: Orphanet 84, MedGen C1836860, MONDO:0012187, OMIM 609054.
Hereditary cancer-predisposing syndrome. Also called: Hereditary Cancer Syndrome; Neoplastic Syndromes, Hereditary; Hereditary neoplastic syndrome; Tumor predisposition. Identifiers: Orphanet 140162, MedGen C0027672, MeSH D009386, MONDO:0015356.

Allele frequency attached by ClinVar (database versions not stated): gnomAD exomes below 0.00001 and 0.00001; ExAC 0.00001.
gnomAD v4.1: 2 of 1,613,276 alleles (0.00012%); highest among the groups gnomAD compares: Admixed American, 0.0033%; no homozygotes.

Submissions (3):

Labcorp Genetics (formerly Invitae), Labcorp
Classification: Likely benign for Familial cancer of breast; Fanconi anemia complementation group J. Last evaluated: 2025-06-04. Review status: criteria provided, single submitter. Criteria: Invitae Variant Classification Sherloc (09022015). Collection method: clinical testing. Allele origin: germline.

Myriad Genetics, Inc.
Classification: Benign for Familial cancer of breast. Last evaluated: 2024-08-28. Review status: criteria provided, single submitter. Criteria: Myriad Autosomal Dominant, Autosomal Recessive and X-Linked Classification Criteria (2023). Collection method: clinical testing. Allele origin: unknown.
Comment: This variant is considered benign. This variant is a silent/synonymous amino acid change and it is not expected to impact splicing.

Ambry Genetics
Classification: Likely benign for Hereditary cancer-predisposing syndrome. Last evaluated: 2018-04-30. Review status: criteria provided, single submitter. Criteria: Ambry Variant Classification Scheme 2023. Collection method: clinical testing. Allele origin: germline.

NM_032043.3(BRIP1):c.1542A>G (p.Arg514=)

Gene: BRIP1 (BRCA1 interacting DNA helicase 1; minus strand). Cytogenetic location: 17q23.2.
Variant type: single nucleotide variant.
Coding change: c.1542A>G on transcript NM_032043.3 (MANE Select); coding-DNA position 1542, A replaced by G.
Protein change: p.Arg514=; no amino-acid change (arginine 514 retained).
Molecular consequence: synonymous variant.
Genome position (GRCh38, 1-based): chr17:61,784,356, T>C on the plus strand (A>G on the coding strand, the complement: BRIP1 is on the minus strand). VCF-style: chr17-61784356-T-C. GRCh37 (hg19) VCF-style: chr17-59861717-T-C.
Identifiers: ClinVar variation 819507 (VCV000819507.15), dbSNP rs779454200, ClinGen allele CA8690716.
Genomic context (GRCh38, chr17:61,784,356, plus strand): 5'-AAGTACCATAAAAAGTCCTTTAAGCATTATTTGAGTTGATGCACTAATAACAGGTACTTC[T>C]CTTGCCTCCTCTTTACCATAAATTGGTGAGATTTTTTCCTCTTTTTGAAGAACAGCAGAA-3'
Protein context (NP_114432.2, residues 504-524): ISPIYGKEEA[Arg514=]EVPVISASTQ